The following is an entry in ClinVar:

ClinVar aggregate classification (germline): Conflicting classifications of pathogenicity. Review status: criteria provided, conflicting classifications (1 of 4 stars). 2 submissions from 2 submitters: Uncertain significance (1); Likely benign (1). Last evaluated 2025-01-16.

Allele frequency attached by ClinVar (database versions not stated): gnomAD 0.00005.
gnomAD v4.1: 46 of 1,610,372 alleles (0.0029%); highest among the groups gnomAD compares: East Asian, 0.054%; 1 homozygote.

Submissions (2):

Labcorp Genetics (formerly Invitae), Labcorp
Classification: Uncertain significance. Last evaluated: 2025-01-16. Review status: criteria provided, single submitter. Criteria: Invitae Variant Classification Sherloc (09022015). Collection method: clinical testing. Allele origin: germline.
Comment: This sequence change falls in intron 7 of the WDR73 gene. It does not directly change the encoded amino acid sequence of the WDR73 protein. It affects a nucleotide within the consensus splice site. This variant is present in population databases (rs372870483, gnomAD 0.09%). This variant has not been reported in the literature in individuals affected with WDR73-related conditions. ClinVar contains an entry for this variant (Variation ID: 2073673). Variants that disrupt the consensus splice site are a relatively common cause of aberrant splicing (PMID: 17576681, 9536098). Algorithms developed to predict the effect of sequence changes on RNA splicing suggest that this variant is not likely to affect RNA splicing. In summary, the available evidence is currently insufficient to determine the role of this variant in disease. Therefore, it has been classified as a Variant of Uncertain Significance.

Blueprint Genetics
Classification: Likely benign. Last evaluated: 2024-05-13. Review status: criteria provided, single submitter. Criteria: ACMG Guidelines, 2015. Collection method: clinical testing. Allele origin: germline.

Literature cited by the submitters: PubMed 17576681 (cited by Labcorp Genetics (formerly Invitae), Labcorp); PubMed 9536098 (cited by Labcorp Genetics (formerly Invitae), Labcorp).

NM_032856.5(WDR73):c.884-3C>T

Gene: WDR73 (WD repeat domain 73; minus strand). Cytogenetic location: 15q25.2.
Variant type: single nucleotide variant.
Coding change: c.884-3C>T on transcript NM_032856.5 (MANE Select); 3 bases into the intron before coding-DNA position 884, C replaced by T.
Molecular consequence: intron variant.
Genome position (GRCh38, 1-based): chr15:84,643,726, G>A on the plus strand (C>T on the coding strand, the complement: WDR73 is on the minus strand). VCF-style: chr15-84643726-G-A. GRCh37 (hg19) VCF-style: chr15-85186957-G-A.
Identifiers: ClinVar variation 2073673 (VCV002073673.3), dbSNP rs372870483, ClinGen allele CA7707202.